The following is an entry in ClinVar:

NM_004360.5(CDH1):c.1956G>T (p.Leu652Phe)

Gene: CDH1 (cadherin 1; plus strand). Cytogenetic location: 16q22.1.
Variant type: single nucleotide variant.
Coding change: c.1956G>T on transcript NM_004360.5 (MANE Select); coding-DNA position 1956, G replaced by T.
Protein change: p.Leu652Phe; replaces leucine 652 with phenylalanine.
Molecular consequence: missense variant. On other transcripts: 5 prime UTR variant (1).
Genome position (GRCh38, 1-based): chr16:68,823,418, G>T. VCF-style: chr16-68823418-G-T. GRCh37 (hg19) VCF-style: chr16-68857321-G-T.
Other names: c.1773G>T, p.Leu591Phe (NM_001317184.2); c.408G>T, p.Leu136Phe (NM_001317185.2); c.-10G>T (NM_001317186.2); short protein forms L136F, L652F, L591F.
Identifiers: ClinVar variation 2989173 (VCV002989173.4), dbSNP rs2152139265, ClinGen allele CA396467538.

ClinVar aggregate classification (germline): Uncertain significance. Review status: criteria provided, multiple submitters, no conflicts (2 of 4 stars). 2 submissions from 2 submitters: Uncertain significance (2). Last evaluated 2026-04-05.

Conditions:
Hereditary cancer-predisposing syndrome. Also called: Hereditary neoplastic syndrome; Neoplastic Syndromes, Hereditary; Tumor predisposition; Hereditary Cancer Syndrome. Identifiers: Orphanet 140162, MedGen C0027672, MeSH D009386, MONDO:0015356.
Hereditary diffuse gastric adenocarcinoma (HDGC). Also called: DIFFUSE GASTRIC AND LOBULAR BREAST CANCER SYNDROME. Identifiers: Orphanet 26106, MedGen C1708349, MONDO:0007648, OMIM 137215.

Submissions (2):

Ambry Genetics
Classification: Uncertain significance for Hereditary cancer-predisposing syndrome. Last evaluated: 2026-04-05. Review status: criteria provided, single submitter. Criteria: Ambry Variant Classification Scheme 2023. Collection method: clinical testing. Allele origin: germline.
Comment: The p.L652F variant (also known as c.1956G>T), located in coding exon 13 of the CDH1 gene, results from a G to T substitution at nucleotide position 1956. The leucine at codon 652 is replaced by phenylalanine, an amino acid with highly similar properties. This amino acid position is conserved. In addition, this alteration is predicted to be tolerated by in silico analysis. Based on the available evidence, the clinical significance of this variant remains unclear.

Labcorp Genetics (formerly Invitae), Labcorp
Classification: Uncertain significance for Hereditary diffuse gastric adenocarcinoma. Last evaluated: 2024-08-12. Review status: criteria provided, single submitter. Criteria: Invitae Variant Classification Sherloc (09022015). Collection method: clinical testing. Allele origin: germline.
Comment: This sequence change replaces leucine, which is neutral and non-polar, with phenylalanine, which is neutral and non-polar, at codon 652 of the CDH1 protein (p.Leu652Phe). This variant is not present in population databases (gnomAD no frequency). This variant has not been reported in the literature in individuals affected with CDH1-related conditions. An algorithm developed to predict the effect of missense changes on protein structure and function outputs the following: PolyPhen-2: "Benign". The phenylalanine amino acid residue is found in multiple mammalian species, which suggests that this missense change does not adversely affect protein function. In summary, the available evidence is currently insufficient to determine the role of this variant in disease. Therefore, it has been classified as a Variant of Uncertain Significance.